The following is an entry in ClinVar:

ClinVar aggregate classification (germline): Uncertain significance (1 of 4 stars; one submission).

Conditions:
Joubert syndrome. Also called: CEREBELLOPARENCHYMAL DISORDER IV; JOUBERT-BOLTSHAUSER SYNDROME; Familial aplasia of the vermis. Identifiers: Orphanet 475, MedGen C5979921, MONDO:0018772.
Meckel-Gruber syndrome. Also called: DYSENCEPHALIA SPLANCHNOCYSTICA; GRUBER SYNDROME; Dysencephalia splachnocystica. Identifiers: Orphanet 564, MedGen C0265215, MONDO:0018921.

Submission:

Labcorp Genetics (formerly Invitae), Labcorp
Classification: Uncertain significance for Joubert syndrome; Meckel-Gruber syndrome. Last evaluated: 2022-02-23. Review status: criteria provided, single submitter. Criteria: Invitae Variant Classification Sherloc (09022015). Collection method: clinical testing. Allele origin: germline.
Comment: In summary, the available evidence is currently insufficient to determine the role of this variant in disease. Therefore, it has been classified as a Variant of Uncertain Significance. Algorithms developed to predict the effect of missense changes on protein structure and function (SIFT, PolyPhen-2, Align-GVGD) all suggest that this variant is likely to be tolerated. This variant has not been reported in the literature in individuals affected with TMEM67-related conditions. This variant is not present in population databases (gnomAD no frequency). This sequence change replaces isoleucine, which is neutral and non-polar, with threonine, which is neutral and polar, at codon 134 of the TMEM67 protein (p.Ile134Thr).

NM_153704.6(TMEM67):c.401T>C (p.Ile134Thr)

Gene: TMEM67 (transmembrane protein 67; plus strand). Cytogenetic location: 8q22.1.
Variant type: single nucleotide variant.
Coding change: c.401T>C on transcript NM_153704.6 (MANE Select); coding-DNA position 401, T replaced by C.
Protein change: p.Ile134Thr; replaces isoleucine 134 with threonine.
Molecular consequence: missense variant. On other transcripts: synonymous variant (1), non-coding transcript variant (1).
Genome position (GRCh38, 1-based): chr8:93,758,571, T>C. VCF-style: chr8-93758571-T-C. GRCh37 (hg19) VCF-style: chr8-94770799-T-C.
Other names: c.24T>C, p.Tyr8= (NM_001142301.1); short protein forms I134T.
Identifiers: ClinVar variation 2102346 (VCV002102346.3), dbSNP rs2536766026, ClinGen allele CA371685942.
Genomic context (GRCh38, chr8:93,758,571, plus strand): 5'-GCATTTCTTGCCCTAGTGACTTAACTGCCGAAGGAAAATGTCACTGTCCCATTGGCCATA[T>C]TTTAGGTAAGAATTAGATTCCTTATAAAGAAGTAGTGATAAATCTTCATTCTTGTTTTTG-3'
Protein context (NP_714915.3, residues 124-144): EGKCHCPIGH[Ile134Thr]LVERDINGTL